The following is an entry in ClinVar:

ClinVar aggregate classification (germline): Pathogenic. Review status: criteria provided, multiple submitters, no conflicts (2 of 4 stars). 2 submissions from 2 submitters: Pathogenic (2). Last evaluated 2026-08-05.

Conditions:
Hereditary cancer-predisposing syndrome. Also called: Hereditary Cancer Syndrome; Hereditary neoplastic syndrome; Neoplastic Syndromes, Hereditary; Tumor predisposition. Identifiers: Orphanet 140162, MedGen C0027672, MeSH D009386, MONDO:0015356.

Submissions (2):

Ambry Genetics
Classification: Pathogenic for Hereditary cancer-predisposing syndrome. Last evaluated: 2026-08-05. Review status: criteria provided, single submitter. Criteria: Ambry Variant Classification Scheme 2023. Collection method: clinical testing. Allele origin: germline.
Comment: The c.1462delG pathogenic mutation, located in coding exon 10 of the FH gene, results from a deletion of one nucleotide at nucleotide position 1462, causing a translational frameshift with a predicted alternate stop codon (p.E488Nfs*14). This variant occurs at the 3' terminus of the gene, is not expected to trigger nonsense-mediated mRNA decay, and impacts the last 4% of the protein. However, premature stop codons are typically deleterious in nature and the impacted region is critical for protein function (Ambry internal data). This variant is considered to be rare based on population cohorts in the Genome Aggregation Database (gnomAD). Based on the supporting evidence, this variant is interpreted as a disease-causing mutation.

Labcorp Genetics (formerly Invitae), Labcorp
Classification: Pathogenic. Last evaluated: 2023-04-19. Review status: criteria provided, single submitter. Criteria: Invitae Variant Classification Sherloc (09022015). Collection method: clinical testing. Allele origin: germline.
Comment: This variant is not present in population databases (gnomAD no frequency). For these reasons, this variant has been classified as Pathogenic. This variant disrupts a region of the FH protein in which other variant(s) (p.Trp500*) have been determined to be pathogenic (PMID: 9635293, 21398687). This suggests that this is a clinically significant region of the protein, and that variants that disrupt it are likely to be disease-causing. This variant has not been reported in the literature in individuals affected with FH-related conditions. This sequence change creates a premature translational stop signal (p.Glu488Asnfs*14) in the FH gene. While this is not anticipated to result in nonsense mediated decay, it is expected to disrupt the last 23 amino acid(s) of the FH protein.

Literature cited by the submitters: PubMed 9635293 (cited by Labcorp Genetics (formerly Invitae), Labcorp); PubMed 21398687 (cited by Labcorp Genetics (formerly Invitae), Labcorp).

NM_000143.4(FH):c.1462del (p.Glu488fs)

Gene: FH (fumarate hydratase; minus strand). Cytogenetic location: 1q43.
Variant type: Deletion.
Coding change: c.1462del on transcript NM_000143.4 (MANE Select); coding-DNA position 1462, one base deleted (G; older notation c.1462delG).
Protein change: p.Glu488fs; shifts the reading frame from glutamic acid 488.
Molecular consequence: frameshift variant.
Genome position (GRCh38, 1-based): chr1:241,497,899, C deleted on the plus strand (G on the coding strand, the reverse complement: FH is on the minus strand). VCF-style (leftmost placement, unchanged base first): chr1-241497898-TC-T. GRCh37 (hg19) VCF-style: chr1-241661198-TC-T.
Other names: short protein forms E488fs.
Identifiers: ClinVar variation 2833878 (VCV002833878.4), dbSNP rs2527308441, ClinGen allele CA2739274029.